The following is an entry in ClinVar:

NM_001267550.2(TTN):c.54812-1G>C

Genes: TTN (titin; minus strand), TTN-AS1 (TTN antisense RNA 1; plus strand). Cytogenetic location: 2q31.2.
Variant type: single nucleotide variant.
Coding change: c.54812-1G>C on transcript NM_001267550.2 (MANE Select); the canonical splice acceptor site of the intron before coding-DNA position 54812, G replaced by C.
Molecular consequence: splice acceptor variant.
Genome position (GRCh38, 1-based): chr2:178,602,591, C>G on the plus strand (G>C on the coding strand, the complement: TTN is on the minus strand). VCF-style: chr2-178602591-C-G. GRCh37 (hg19) VCF-style: chr2-179467318-C-G.
Other names: c.27617-1G>C (NM_003319.4); c.28193-1G>C (NM_133437.4); c.27992-1G>C (NM_133432.3); c.47108-1G>C (NM_133378.4); c.49889-1G>C (NM_001256850.1).
Identifiers: ClinVar variation 2036867 (VCV002036867.4), dbSNP rs1416873295, ClinGen allele CA349547319.

ClinVar aggregate classification (germline): Likely pathogenic (1 of 4 stars; one submission).

Conditions:
Dilated cardiomyopathy 1G (CMD1G). Identifiers: Orphanet 154, MedGen C1858763, MONDO:0011400, OMIM 604145.
Autosomal recessive limb-girdle muscular dystrophy type 2J (LGMDR10). Also called: MUSCULAR DYSTROPHY, LIMB-GIRDLE, AUTOSOMAL RECESSIVE 10; Limb-girdle muscular dystrophy, type 2J. Identifiers: Orphanet 140922, MedGen C1837342, MONDO:0012127, OMIM 608807.

Submission:

Labcorp Genetics (formerly Invitae), Labcorp
Classification: Likely pathogenic for Dilated cardiomyopathy 1G; Autosomal recessive limb-girdle muscular dystrophy type 2J. Last evaluated: 2022-10-26. Review status: criteria provided, single submitter. Criteria: Invitae Variant Classification Sherloc (09022015). Collection method: clinical testing. Allele origin: germline.
Comment: In summary, the currently available evidence indicates that the variant is pathogenic, but additional data are needed to prove that conclusively. Therefore, this variant has been classified as Likely Pathogenic. This variant is located in the A band of TTN (PMID: 25589632). Truncating variants in this region are significantly overrepresented in patients affected with dilated cardiomyopathy (PMID: 25589632). Truncating variants in this region have also been reported in individuals affected with autosomal recessive centronuclear myopathy (PMID: 23975875). This sequence change affects an acceptor splice site in intron 282 of the TTN gene. It is expected to disrupt RNA splicing and likely results in a truncated or disrupted TTN protein. This variant is not present in population databases (gnomAD no frequency). This variant has not been reported in the literature in individuals affected with TTN-related conditions. Algorithms developed to predict the effect of sequence changes on RNA splicing suggest that this variant may disrupt the consensus splice site.

Literature cited by the submitters: PubMed 25589632; PubMed 23975875.